The following is an entry in ClinVar:

NM_001012720.2(RGR):c.394G>T (p.Val132Leu)

Gene: RGR (retinal G protein coupled receptor; plus strand). Cytogenetic location: 10q23.1.
Variant type: single nucleotide variant.
Coding change: c.394G>T on transcript NM_001012720.2 (MANE Select); coding-DNA position 394, G replaced by T.
Protein change: p.Val132Leu; replaces valine 132 with leucine.
Molecular consequence: missense variant.
Genome position (GRCh38, 1-based): chr10:84,252,892, G>T. VCF-style: chr10-84252892-G-T. GRCh37 (hg19) VCF-style: chr10-86012648-G-T.
Other names: c.394G>T, p.Val132Leu (NM_001012722.2); c.406G>T, p.Val136Leu (NM_002921.4); short protein forms V132L, V136L.
Identifiers: ClinVar variation 962885 (VCV000962885.8), dbSNP rs370808520, ClinGen allele CA5581428.

ClinVar aggregate classification (germline): Uncertain significance. Review status: criteria provided, multiple submitters, no conflicts (2 of 4 stars). 2 submissions from 2 submitters: Uncertain significance (2). Last evaluated 2024-05-06.

Allele frequency attached by ClinVar (database versions not stated): gnomAD exomes 0.00004; TOPMed 0.00004; ExAC 0.00005; gnomAD 0.00005 and 0.00006; ESP Exome Variant Server 0.00015.

Submissions (2):

Labcorp Genetics (formerly Invitae), Labcorp
Classification: Uncertain significance. Last evaluated: 2024-05-06. Review status: criteria provided, single submitter. Criteria: Invitae Variant Classification Sherloc (09022015). Collection method: clinical testing. Allele origin: germline.
Comment: This sequence change replaces valine, which is neutral and non-polar, with leucine, which is neutral and non-polar, at codon 132 of the RGR protein (p.Val132Leu). The frequency data for this variant in the population databases is considered unreliable, as metrics indicate poor data quality at this position in the gnomAD database. This missense change has been observed in individual(s) with retinitis pigmentosa (PMID: 10581022). ClinVar contains an entry for this variant (Variation ID: 962885). Experimental studies and prediction algorithms are not available or were not evaluated, and the functional significance of this variant is currently unknown. In summary, the available evidence is currently insufficient to determine the role of this variant in disease. Therefore, it has been classified as a Variant of Uncertain Significance.

Blueprint Genetics
Classification: Uncertain significance. Last evaluated: 2021-06-29. Review status: criteria provided, single submitter. Criteria: ACMG Guidelines, 2015. Collection method: clinical testing. Allele origin: germline.

Literature cited by the submitters: PubMed 10581022 (cited by Labcorp Genetics (formerly Invitae), Labcorp).